The following is an entry in ClinVar:

NM_001378414.1(HDAC4):c.1603C>T (p.Arg535Cys)

Gene: HDAC4 (histone deacetylase 4; minus strand). Cytogenetic location: 2q37.3.
Variant type: single nucleotide variant.
Coding change: c.1603C>T on transcript NM_001378414.1 (MANE Select); coding-DNA position 1603, C replaced by T.
Protein change: p.Arg535Cys; replaces arginine 535 with cysteine.
Molecular consequence: missense variant.
Genome position (GRCh38, 1-based): chr2:239,115,241, G>A on the plus strand (C>T on the coding strand, the complement: HDAC4 is on the minus strand). VCF-style: chr2-239115241-G-A. GRCh37 (hg19) VCF-style: chr2-240036937-G-A.
Other names: c.1603C>T, p.Arg535Cys (NM_001378415.1); c.1588C>T, p.Arg530Cys (NM_001378416.1, NM_001378417.1, NM_006037.4); short protein forms R535C, R530C.
Identifiers: ClinVar variation 1416634 (VCV001416634.6), dbSNP rs202206567, ClinGen allele CA2199746.

ClinVar aggregate classification (germline): Uncertain significance (1 of 4 stars; one submission).

Allele frequency attached by ClinVar (database versions not stated): ExAC 0.00002; gnomAD exomes 0.00002 and 0.00004; gnomAD 0.00003; TOPMed 0.00003; ESP Exome Variant Server 0.00008.
gnomAD v4.1: 61 of 1,612,652 alleles (0.0038%); highest among the groups gnomAD compares: East Asian, 0.0045%; no homozygotes.

Submission:

Labcorp Genetics (formerly Invitae), Labcorp
Classification: Uncertain significance. Last evaluated: 2022-09-27. Review status: criteria provided, single submitter. Criteria: Invitae Variant Classification Sherloc (09022015). Collection method: clinical testing. Allele origin: germline.
Comment: This sequence change replaces arginine, which is basic and polar, with cysteine, which is neutral and slightly polar, at codon 530 of the HDAC4 protein (p.Arg530Cys). In summary, the available evidence is currently insufficient to determine the role of this variant in disease. Therefore, it has been classified as a Variant of Uncertain Significance. Advanced modeling of protein sequence and biophysical properties (such as structural, functional, and spatial information, amino acid conservation, physicochemical variation, residue mobility, and thermodynamic stability) performed at Invitae indicates that this missense variant is not expected to disrupt HDAC4 protein function. ClinVar contains an entry for this variant (Variation ID: 1416634). This missense change has been observed in individual(s) with clinical features of brachydactyly-intellectual disability syndrome (PMID: 25533962). This variant is present in population databases (rs202206567, gnomAD 0.004%).

Literature cited by the submitters: PubMed 25533962.